The following is an entry in ClinVar:

ClinVar aggregate classification (germline): Likely pathogenic (1 of 4 stars; one submission).

Conditions:
Hereditary cancer-predisposing syndrome. Also called: Neoplastic Syndromes, Hereditary; Tumor predisposition; Hereditary Cancer Syndrome; Hereditary neoplastic syndrome. Identifiers: Orphanet 140162, MedGen C0027672, MeSH D009386, MONDO:0015356.

Submission:

Ambry Genetics
Classification: Likely pathogenic for Hereditary cancer-predisposing syndrome. Last evaluated: 2026-06-11. Review status: criteria provided, single submitter. Criteria: Ambry Variant Classification Scheme 2023. Collection method: clinical testing. Allele origin: germline.
Comment: The p.N373T variant (also known as c.1118A>C), located in coding exon 8 of the FH gene, results from an A to C substitution at nucleotide position 1118. The asparagine at codon 373 is replaced by threonine, an amino acid with similar properties. This variant was reported in individual(s) with features consistent with FH-related tumor predisposition (Ambry internal data). Other variant(s) at the same codon, p.N373S (c.1118A>G), have been identified in individual(s) with features consistent with FH-related tumor predisposition (Ambry internal data). This amino acid position is conserved. In addition, this alteration is predicted to be deleterious by in silico analysis. This variant is considered to be rare based on population cohorts in the Genome Aggregation Database (gnomAD). Based on the majority of available evidence to date, this variant is likely to be pathogenic.

NM_000143.4(FH):c.1118A>C (p.Asn373Thr)

Gene: FH (fumarate hydratase; minus strand). Cytogenetic location: 1q43.
Variant type: single nucleotide variant.
Coding change: c.1118A>C on transcript NM_000143.4 (MANE Select); coding-DNA position 1118, A replaced by C.
Protein change: p.Asn373Thr; replaces asparagine 373 with threonine.
Molecular consequence: missense variant.
Genome position (GRCh38, 1-based): chr1:241,502,561, T>G on the plus strand (A>C on the coding strand, the complement: FH is on the minus strand). VCF-style: chr1-241502561-T-G. GRCh37 (hg19) VCF-style: chr1-241665861-T-G.
Other names: short protein forms N373T.
Identifiers: ClinVar variation 3278728 (VCV003278728.2).